The following is an entry in ClinVar:

ClinVar aggregate classification (germline): Uncertain significance. Review status: criteria provided, multiple submitters, no conflicts (2 of 4 stars). 2 submissions from 2 submitters: Uncertain significance (2). Last evaluated 2023-10-01.

Conditions:
Retinal dystrophy. Also called: Inherited retinal dystrophy. Identifiers: Orphanet 71862, MedGen C0854723, MeSH D058499, MONDO:0019118, HP:0000556.

Allele frequency attached by ClinVar (database versions not stated): gnomAD 0.00001 and 0.00002; ExAC 0.00004.
gnomAD v4.1: 34 of 1,614,108 alleles (0.0021%); highest among the groups gnomAD compares: East Asian, 0.027%; no homozygotes.

Submissions (2):

Dept Of Ophthalmology, Nagoya University
Classification: Uncertain significance for Retinal dystrophy. Last evaluated: 2023-10-01. Review status: criteria provided, single submitter. Criteria: Submitter's publication. Collection method: research. Allele origin: germline. Affected: yes.

Labcorp Genetics (formerly Invitae), Labcorp
Classification: Uncertain significance. Last evaluated: 2022-07-19. Review status: criteria provided, single submitter. Criteria: Invitae Variant Classification Sherloc (09022015). Collection method: clinical testing. Allele origin: germline.
Comment: This sequence change replaces arginine, which is basic and polar, with histidine, which is basic and polar, at codon 713 of the AGBL5 protein (p.Arg713His). This variant is present in population databases (rs545834161, gnomAD 0.004%). This variant has not been reported in the literature in individuals affected with AGBL5-related conditions. ClinVar contains an entry for this variant (Variation ID: 1493876). Algorithms developed to predict the effect of missense changes on protein structure and function output the following: SIFT: "Deleterious"; PolyPhen-2: "Benign"; Align-GVGD: "Class C0". The histidine amino acid residue is found in multiple mammalian species, which suggests that this missense change does not adversely affect protein function. In summary, the available evidence is currently insufficient to determine the role of this variant in disease. Therefore, it has been classified as a Variant of Uncertain Significance.

NM_021831.6(AGBL5):c.2138G>A (p.Arg713His)

Gene: AGBL5 (AGBL carboxypeptidase 5; plus strand). Cytogenetic location: 2p23.3.
Variant type: single nucleotide variant.
Coding change: c.2138G>A on transcript NM_021831.6 (MANE Select); coding-DNA position 2138, G replaced by A.
Protein change: p.Arg713His; replaces arginine 713 with histidine.
Molecular consequence: missense variant. On other transcripts: non-coding transcript variant (2).
Genome position (GRCh38, 1-based): chr2:27,067,542, G>A. VCF-style: chr2-27067542-G-A. GRCh37 (hg19) VCF-style: chr2-27290410-G-A.
Other names: short protein forms R713H.
Identifiers: ClinVar variation 1493876 (VCV001493876.5), dbSNP rs545834161, ClinGen allele CA1568106.